The following is an entry in ClinVar:

ClinVar aggregate classification (germline): Uncertain significance. Review status: criteria provided, single submitter (1 of 4 stars). 2 submissions from 2 submitters: Uncertain significance (1). 1 of the submissions does not count toward it. Last evaluated 2025-12-29.

Conditions:
Autoimmune lymphoproliferative syndrome type 2A (ALPS2A). Also called: CASP10-Related Autoimmune Lymphoproliferative Syndrome; AUTOIMMUNE LYMPHOPROLIFERATIVE SYNDROME, TYPE IIA; Autoimmune lymphoproliferative syndrome type 2. Identifiers: Orphanet 3261, MedGen C1858968, MONDO:0011383, OMIM 603909.
CASP10-related disorder. Also called: CASP10-related condition.

Allele frequency attached by ClinVar (database versions not stated): gnomAD 0.00001; gnomAD exomes 0.00002; ExAC 0.00003; TOPMed 0.00005.
gnomAD v4.1: 41 of 1,613,490 alleles (0.0025%); highest among the groups gnomAD compares: East Asian, 0.0045%; no homozygotes.

Submissions (2):

Labcorp Genetics (formerly Invitae), Labcorp
Classification: Uncertain significance for Autoimmune lymphoproliferative syndrome type 2A. Last evaluated: 2025-12-29. Review status: criteria provided, single submitter. Criteria: Invitae Variant Classification Sherloc (09022015). Collection method: clinical testing. Allele origin: germline.
Comment: This sequence change replaces arginine, which is basic and polar, with tryptophan, which is neutral and slightly polar, at codon 450 of the CASP10 protein (p.Arg450Trp). This variant is present in population databases (rs758842495, gnomAD 0.01%). This variant has not been reported in the literature in individuals affected with CASP10-related conditions. ClinVar contains an entry for this variant (Variation ID: 655373). Invitae Evidence Modeling of protein sequence and biophysical properties (such as structural, functional, and spatial information, amino acid conservation, physicochemical variation, residue mobility, and thermodynamic stability) indicates that this missense variant is expected to disrupt CASP10 protein function with a positive predictive value of 80%. In summary, the available evidence is currently insufficient to determine the role of this variant in disease. Therefore, it has been classified as a Variant of Uncertain Significance.

PreventionGenetics, part of Exact Sciences
Classification: Uncertain significance for CASP10-related condition. Last evaluated: 2024-07-30. Review status: no assertion criteria provided. Collection method: clinical testing. Allele origin: germline. Not counted in ClinVar's aggregate classification.
Comment: The CASP10 c.1348C>T variant is predicted to result in the amino acid substitution p.Arg450Trp. To our knowledge, this variant has not been reported in the literature. This variant is reported in 0.011% of alleles in individuals of East Asian descent in gnomAD. At this time, the clinical significance of this variant is uncertain due to the absence of conclusive functional and genetic evidence.

NM_032977.4(CASP10):c.1348C>T (p.Arg450Trp)

Gene: CASP10 (caspase 10; plus strand). Cytogenetic location: 2q33.1.
Variant type: single nucleotide variant.
Coding change: c.1348C>T on transcript NM_032977.4 (MANE Select); coding-DNA position 1348, C replaced by T.
Protein change: p.Arg450Trp; replaces arginine 450 with tryptophan.
Molecular consequence: missense variant. On other transcripts: 3 prime UTR variant (1).
Genome position (GRCh38, 1-based): chr2:201,209,495, C>T. VCF-style: chr2-201209495-C-T. GRCh37 (hg19) VCF-style: chr2-202074218-C-T.
Other names: c.1147C>T, p.Arg383Trp (NM_001206524.2); c.1219C>T, p.Arg407Trp (NM_001206542.2, NM_001230.5); c.1348C>T, p.Arg450Trp (NM_032974.5); c.*434C>T (NM_032976.4); short protein forms R383W, R450W, R407W.
Identifiers: ClinVar variation 655373 (VCV000655373.14), dbSNP rs758842495, ClinGen allele CA2053226.